The following is an entry in ClinVar:

NM_000551.4(VHL):c.214_216del (p.Ser72del)

Gene: VHL (von Hippel-Lindau tumor suppressor; plus strand). Cytogenetic location: 3p25.3.
Variant type: Deletion.
Coding change: c.214_216del on transcript NM_000551.4 (MANE Select); coding-DNA positions 214 to 216, 3 bases deleted (TCC; older notation c.214_216delTCC).
Protein change: p.Ser72del; deletes serine 72.
Molecular consequence: inframe deletion.
Genome position (GRCh38, 1-based): chr3:10,142,061-10,142,063, TCC deleted; deleting any 3 consecutive bases within chr3:10,142,059-10,142,063 gives the same sequence; the c. name uses the placement nearest the transcript's 3' end. VCF-style (leftmost placement, unchanged base first): chr3-10142058-CCCT-C. GRCh37 (hg19) VCF-style: chr3-10183742-CCCT-C.
Other names: c.214_216del, p.Ser72del (NM_001354723.2, NM_198156.3); short protein forms S72del.
Identifiers: ClinVar variation 1786574 (VCV001786574.2), dbSNP rs2470158110, ClinGen allele CA2580068398.

ClinVar aggregate classification (germline): Uncertain significance (1 of 4 stars; one submission).

Conditions:
Hereditary cancer-predisposing syndrome. Also called: Neoplastic Syndromes, Hereditary; Tumor predisposition; Hereditary Cancer Syndrome; Hereditary neoplastic syndrome. Identifiers: Orphanet 140162, MedGen C0027672, MeSH D009386, MONDO:0015356.

Submission:

Ambry Genetics
Classification: Uncertain significance for Hereditary cancer-predisposing syndrome. Last evaluated: 2014-07-14. Review status: criteria provided, single submitter. Criteria: Ambry Variant Classification Scheme 2023. Collection method: clinical testing. Allele origin: germline.
Comment: The c.214_216delTCC variant is located in coding exon 1 of the VHL gene. This variant results from an in-frame TCC deletion of 3 nucleotide between positions 214 and 216, causing the removal of a well-conserved serine residue at codon 72. This variant was not reported in population based cohorts in the following databases: Database of Single Nucleotide Polymorphisms (dbSNP), NHLBI Exome Sequencing Project (ESP), and 1000 Genomes Project. In the ESP, this variant was not observed in 6375 samples (12750 alleles) with coverage at this position. To date, this alteration has been detected with an allele frequency of approximately 0.05% (>2,000 alleles tested) in our clinical cohort (includes this individual). Since supporting evidence is limited at this time, the clinical significance of c.214_216delTCC remains unclear.